The following is an entry in ClinVar:

ClinVar aggregate classification (germline): Uncertain significance (3 of 4 stars; one submission).

Conditions:
Phenylketonuria (PKU). Also called: FOLLING DISEASE; Phenylketonuria (PKU); OLIGOPHRENIA PHENYLPYRUVICA; Phenylketonurias. Identifiers: Orphanet 716, MedGen C0031485, MONDO:0009861, OMIM 261600. Disease mechanism: loss of function.

Submission:

ClinGen PAH Variant Curation Expert Panel
Classification: Uncertain significance for Phenylketonuria. Last evaluated: 2019-03-10. Review status: reviewed by expert panel. Criteria: ClinGen PAH ACMG Specifications v1. Collection method: curation. Allele origin: germline. Inheritance: Autosomal recessive inheritance.
Comment: This variant is absent from population databases, including gnomAD, ESP, and 1000 Genomes. Computation predictors are inconclusive on protein structure and function. In summary, this variant meets the criteria to be classified as uncertain significance for PAH. PAH-specific ACMG/AMP criteria applied: PM2, PP4_M.

Literature cited by the submitters: PubMed 26503515.

NM_000277.3(PAH):c.59A>C (p.Gln20Pro)

Gene: PAH (phenylalanine hydroxylase; minus strand). Cytogenetic location: 12q23.2.
Variant type: single nucleotide variant.
Coding change: c.59A>C on transcript NM_000277.3 (MANE Select); coding-DNA position 59, A replaced by C.
Protein change: p.Gln20Pro; replaces glutamine 20 with proline.
Molecular consequence: missense variant.
Genome position (GRCh38, 1-based): chr12:102,917,072, T>G on the plus strand (A>C on the coding strand, the complement: PAH is on the minus strand). VCF-style: chr12-102917072-T-G. GRCh37 (hg19) VCF-style: chr12-103310850-T-G.
Other names: c.59A>C, p.Gln20Pro (NM_001354304.2); short protein forms Q20P.
Identifiers: ClinVar variation 805805 (VCV000805805.1), dbSNP rs199475662, ClinGen allele CA16020721.